The following is an entry in ClinVar:

NM_001374736.1(DST):c.3656T>C (p.Val1219Ala)

Gene: DST (dystonin; minus strand). Cytogenetic location: 6p12.1.
Variant type: single nucleotide variant.
Coding change: c.3656T>C on transcript NM_001374736.1 (MANE Select); coding-DNA position 3656, T replaced by C.
Protein change: p.Val1219Ala; replaces valine 1219 with alanine.
Molecular consequence: missense variant.
Genome position (GRCh38, 1-based): chr6:56,633,003, A>G on the plus strand (T>C on the coding strand, the complement: DST is on the minus strand). VCF-style: chr6-56633003-A-G. GRCh37 (hg19) VCF-style: chr6-56497801-A-G.
Other names: c.3557T>C, p.Val1186Ala (NM_001144769.5); c.3143T>C, p.Val1048Ala (NM_001144770.2); c.3656T>C, p.Val1219Ala (NM_001374722.1); c.3023T>C, p.Val1008Ala (NM_001374729.1, NM_001374730.1, NM_001386100.1 and 1 more transcripts); c.3683T>C, p.Val1228Ala (NM_001374734.1); c.2045T>C, p.Val682Ala (NM_001723.7, NM_015548.5); short protein forms V1186A, V1228A, V1008A, V1219A, V682A, V1048A.
Identifiers: ClinVar variation 2179428 (VCV002179428.2), dbSNP rs745459955, ClinGen allele CA3871096.
Genomic context (GRCh38, chr6:56,633,003, plus strand): 5'-ACTTGGGATTCCTGGCTATCTTCCAGAAAATCTTCAAAACGAGATTGTAGATTACTTAGA[A>G]CTTGCTGATGTTCACCAGGTAGCATTGTCTTTATCTAAAGAAGACCAAAGACCCATGTAA-3'
Protein context (NP_001361665.1, residues 1209-1229): KTMLPGEHQQ[Val1219Ala]LSNLQSRFED

ClinVar aggregate classification (germline): Uncertain significance (1 of 4 stars; one submission).

Conditions:
Epidermolysis bullosa simplex 3, localized or generalized intermediate, with BP230 deficiency (EBS3). Also called: Epidermolysis bullosa simplex due to BP230 deficiency; Epidermolysis bullosa simplex, autosomal recessive 2. Identifiers: Orphanet 412181, MedGen C3809470, MONDO:0014180, OMIM 615425.
Hereditary sensory and autonomic neuropathy type 6. Also called: Neuropathy, hereditary sensory and autonomic, type VI; HSAN VI. Identifiers: Orphanet 314381, MedGen C3539003, MONDO:0013839, OMIM 614653.

Allele frequency attached by ClinVar (database versions not stated): gnomAD exomes below 0.00001; ExAC 0.00001; gnomAD 0.00001.
gnomAD v4.1: 2 of 1,613,936 alleles (0.00012%); highest among the groups gnomAD compares: African/African-American, 0.0013%; no homozygotes.

Submission:

Labcorp Genetics (formerly Invitae), Labcorp
Classification: Uncertain significance for Epidermolysis bullosa simplex 3, localized or generalized intermediate, with BP230 deficiency; Hereditary sensory and autonomic neuropathy type 6. Last evaluated: 2022-07-25. Review status: criteria provided, single submitter. Criteria: Invitae Variant Classification Sherloc (09022015). Collection method: clinical testing. Allele origin: germline.
Comment: In summary, the available evidence is currently insufficient to determine the role of this variant in disease. Therefore, it has been classified as a Variant of Uncertain Significance. Algorithms developed to predict the effect of missense changes on protein structure and function (SIFT, PolyPhen-2, Align-GVGD) all suggest that this variant is likely to be disruptive. This variant has not been reported in the literature in individuals affected with DST-related conditions. This variant is present in population databases (rs745459955, gnomAD 0.007%). This sequence change replaces valine, which is neutral and non-polar, with alanine, which is neutral and non-polar, at codon 682 of the DST protein (p.Val682Ala).